The following is an entry in ClinVar:

NM_022041.4(GAN):c.75G>A (p.Glu25=)

Genes: GAN (gigaxonin; plus strand), LOC130059498 (ATAC-STARR-seq lymphoblastoid silent region 7753; plus strand). Cytogenetic location: 16q23.2.
Variant type: single nucleotide variant.
Coding change: c.75G>A on transcript NM_022041.4 (MANE Select); coding-DNA position 75, G replaced by A.
Protein change: p.Glu25=; no amino-acid change (glutamic acid 25 retained).
Molecular consequence: synonymous variant. On other transcripts: 5 prime UTR variant (1).
Genome position (GRCh38, 1-based): chr16:81,315,188, G>A. VCF-style: chr16-81315188-G-A. GRCh37 (hg19) VCF-style: chr16-81348793-G-A.
Other names: c.-450G>A (NM_001377486.1).
Identifiers: ClinVar variation 320651 (VCV000320651.17), dbSNP rs754548795, ClinGen allele CA8191246.

ClinVar aggregate classification (germline): Conflicting classifications of pathogenicity. Review status: criteria provided, conflicting classifications (1 of 4 stars). 3 submissions from 3 submitters: Uncertain significance (1); Likely benign (2). Last evaluated 2025-10-01.

Conditions:
Inborn genetic diseases. Identifiers: MedGen C0950123, MeSH D030342.
Giant axonal neuropathy 1 (GAN1). Also called: GAN-Related Neurodegeneration; GIANT AXONAL NEUROPATHY 1, AUTOSOMAL RECESSIVE. Identifiers: Orphanet 643, MedGen C1850386, MONDO:0009749, OMIM 256850.

Allele frequency attached by ClinVar (database versions not stated): ExAC 0.00003; gnomAD exomes 0.00003; gnomAD 0.00004; TOPMed 0.00004.
gnomAD v4.1: 51 of 1,575,828 alleles (0.0032%); highest among the groups gnomAD compares: Non-Finnish European, 0.0042%; no homozygotes.

Submissions (3):

Labcorp Genetics (formerly Invitae), Labcorp
Classification: Likely benign for Giant axonal neuropathy 1. Last evaluated: 2025-10-01. Review status: criteria provided, single submitter. Criteria: Invitae Variant Classification Sherloc (09022015). Collection method: clinical testing. Allele origin: germline.

Ambry Genetics
Classification: Likely benign for Inborn genetic diseases. Last evaluated: 2019-07-11. Review status: criteria provided, single submitter. Criteria: Ambry Variant Classification Scheme 2023. Collection method: clinical testing. Allele origin: germline.

Illumina Laboratory Services, Illumina
Classification: Uncertain significance for Giant axonal neuropathy 1. Last evaluated: 2018-01-13. Review status: criteria provided, single submitter. Criteria: ICSL Variant Classification Criteria 13 December 2019. Collection method: clinical testing. Allele origin: germline.